The following is an entry in ClinVar:

ClinVar aggregate classification (germline): Uncertain significance. Review status: criteria provided, multiple submitters, no conflicts (2 of 4 stars). 3 submissions from 3 submitters: Uncertain significance (3). Last evaluated 2023-04-11.

Conditions:
Developmental and epileptic encephalopathy, 18 (DEE18). Also called: Early infantile epileptic encephalopathy 18. Identifiers: Orphanet 369894, MedGen C3809624, MONDO:0014201, OMIM 615476.

Submissions (3):

Genome-Nilou Lab
Classification: Uncertain significance for Developmental and epileptic encephalopathy, 18. Last evaluated: 2023-04-11. Review status: criteria provided, single submitter. Criteria: ACMG Guidelines, 2015. Collection method: clinical testing. Allele origin: germline. Affected: no.

Labcorp Genetics (formerly Invitae), Labcorp
Classification: Uncertain significance. Last evaluated: 2020-10-20. Review status: criteria provided, single submitter. Criteria: Invitae Variant Classification Sherloc (09022015). Collection method: clinical testing. Allele origin: germline.
Comment: In summary, the available evidence is currently insufficient to determine the role of this variant in disease. Therefore, it has been classified as a Variant of Uncertain Significance. Algorithms developed to predict the effect of missense changes on protein structure and function are either unavailable or do not agree on the potential impact of this missense change (SIFT: "Tolerated"; PolyPhen-2: "Probably Damaging"; Align-GVGD: "Class C0"). This variant has not been reported in the literature in individuals with SZT2-related conditions. This variant is not present in population databases (ExAC no frequency). This sequence change replaces glycine with glutamic acid at codon 3239 of the SZT2 protein (p.Gly3239Glu). The glycine residue is highly conserved and there is a moderate physicochemical difference between glycine and glutamic acid.

GeneDx
Classification: Uncertain significance. Last evaluated: 2019-11-26. Review status: criteria provided, single submitter. Criteria: GeneDx Variant Classification Process June 2021. Collection method: clinical testing. Allele origin: germline. Affected: yes.
Comment: In silico analysis, which includes protein predictors and evolutionary conservation, supports that this variant does not alter protein structure/function; Has not been previously published as pathogenic or benign to our knowledge; No data available from control populations to assess the frequency of this variant

NM_001365999.1(SZT2):c.9887G>A (p.Gly3296Glu)

Genes: SZT2 (SZT2 subunit of KICSTOR complex; plus strand), SZT2-AS1 (SZT2 antisense RNA 1; minus strand). Cytogenetic location: 1p34.2.
Variant type: single nucleotide variant.
Coding change: c.9887G>A on transcript NM_001365999.1 (MANE Select); coding-DNA position 9887, G replaced by A.
Protein change: p.Gly3296Glu; replaces glycine 3296 with glutamic acid.
Molecular consequence: missense variant. On other transcripts: non-coding transcript variant (1).
Genome position (GRCh38, 1-based): chr1:43,448,402, G>A. VCF-style: chr1-43448402-G-A. GRCh37 (hg19) VCF-style: chr1-43914073-G-A.
Other names: c.9716G>A, p.Gly3239Glu (NM_015284.4); short protein forms G3239E, G3296E.
Identifiers: ClinVar variation 1005734 (VCV001005734.10), dbSNP rs368272173, ClinGen allele CA340045888.